The following is an entry in ClinVar:

ClinVar aggregate classification (germline): Conflicting classifications of pathogenicity. Review status: criteria provided, conflicting classifications (1 of 4 stars). 7 submissions from 7 submitters: Pathogenic (2); Likely pathogenic (2); Uncertain significance (1). 2 of the submissions do not count toward it. Last evaluated 2025-12-09.

Conditions:
Peripheral neuropathy, autosomal recessive, with or without impaired intellectual development. Identifiers: MedGen C4748283, MONDO:0029131, OMIM 618124.

Allele frequency attached by ClinVar (database versions not stated): ExAC 0.00034; gnomAD 0.00035 and 0.00037; TOPMed 0.00008; gnomAD exomes 0.00027.
gnomAD v4.1: 321 of 1,609,786 alleles (0.02%); highest among the groups gnomAD compares: Non-Finnish European, 0.015%; no homozygotes.

Submissions (7):

Labcorp Genetics (formerly Invitae), Labcorp
Classification: Pathogenic. Last evaluated: 2025-12-09. Review status: criteria provided, single submitter. Criteria: Invitae Variant Classification Sherloc (09022015). Collection method: clinical testing. Allele origin: germline.
Comment: This sequence change replaces valine, which is neutral and non-polar, with methionine, which is neutral and non-polar, at codon 1272 of the MCM3AP protein (p.Val1272Met). This variant is present in population databases (rs779248881, gnomAD 0.3%). This missense change has been observed in individual(s) with MCM3AP-related conditions (PMID: 28633435, 32202298). In at least one individual the data is consistent with being in trans (on the opposite chromosome) from a pathogenic variant. It has also been observed to segregate with disease in related individuals. ClinVar contains an entry for this variant (Variation ID: 562048). An algorithm developed to predict the effect of missense changes on protein structure and function outputs the following: PolyPhen-2: "Benign". The methionine amino acid residue is found in multiple mammalian species, which suggests that this missense change does not adversely affect protein function. Studies have shown that this missense change alters MCM3AP gene expression (PMID: 28633435, 32202298). For these reasons, this variant has been classified as Pathogenic.

Women's Health and Genetics/Laboratory Corporation of America, LabCorp
Classification: Likely pathogenic for Peripheral neuropathy, autosomal recessive, with or without impaired intellectual development. Last evaluated: 2025-10-24. Review status: criteria provided, single submitter. Criteria: LabCorp Variant Classification Summary - May 2015. Collection method: clinical testing. Allele origin: germline.
Comment: Variant summary: MCM3AP c.3814G>A (p.Val1272Met) results in a conservative amino acid change located in the germinal-centre associated nuclear protein, MCM3AP domain (IPR031907) of the encoded protein sequence. Algorithms developed to predict the effect of missense changes on protein structure and function all suggest that this variant is likely to be tolerated. The variant allele was found at a frequency of 0.00027 in 240314 control chromosomes. This frequency is not significantly higher than estimated for disease-causing variants in MCM3AP, allowing no conclusion about variant significance. c.3814G>A has been observed in individual(s) affected with MCM3AP-related conditions (example: Ylikallio_2017, Woldegebrie_2020). These data indicate that the variant is likely to be associated with disease. Studies have shown that this missense change alters MCM3AP gene expression (example: Ylikallio_2017, Woldegebrie_2020). The following publications have been ascertained in the context of this evaluation (PMID: 32202298, 28633435). ClinVar contains an entry for this variant (Variation ID: 562048). Based on the evidence outlined above, the variant was classified as likely pathogenic.

Blueprint Genetics
Classification: Uncertain significance. Last evaluated: 2024-10-24. Review status: criteria provided, single submitter. Criteria: ACMG Guidelines, 2015. Collection method: clinical testing. Allele origin: germline.

Institute of Human Genetics, University of Leipzig Medical Center
Classification: Pathogenic for Peripheral neuropathy, autosomal recessive, with or without impaired intellectual development. Last evaluated: 2021-11-25. Review status: criteria provided, single submitter. Criteria: ACMG Guidelines, 2015. Collection method: clinical testing. Allele origin: paternal. Affected: yes.
Comment: _x000D_ Criteria applied: PM3_VSTR, PP1_STR

Baylor Genetics
Classification: Likely pathogenic for Peripheral neuropathy, autosomal recessive, with or without impaired intellectual development. Last evaluated: 2020-06-09. Review status: criteria provided, single submitter. Criteria: ACMG Guidelines, 2015. Collection method: clinical testing. Allele origin: unknown. Affected: yes.
Comment: This variant was determined to be likely pathogenic according to ACMG Guidelines, 2015 [PMID:25741868].

Broad Center for Mendelian Genomics, Broad Institute of MIT and Harvard
Classification: Uncertain significance for Peripheral neuropathy, autosomal recessive, with or without impaired intellectual development. Last evaluated: 2020-11-16. Review status: no assertion criteria provided. Collection method: curation. Allele origin: germline. Inheritance: Autosomal recessive inheritance. Not counted in ClinVar's aggregate classification.
Comment: The heterozygous p.Val1272Met variant in MCM3AP was identified by our study in the compound heterozygous state, along with another variant of unknown significance, in 2 siblings with peripheral neuropathy, autosomal recessive, with or without impaired intellectual development (PMID: 32202298). The variant has also been reported in 3 Finnish individuals with peripheral neuropathy, autosomal recessive, with or without impaired intellectual development (PMID: 28633435), segregated with disease in 3 affected relatives from 2 families (PMID: 28633435, 32202298), and has been identified in 0.25% (60/24060) of European (Finnish) chromosomes by the Genome Aggregation Database (gnomAD; dbSNP ID: rs779248881). This variant has been seen in the general population, in a heterozygous state, at greater rate than expected for disorder. This variant has also been reported in ClinVar (Variation ID: 562048) as pathogenic by OMIM. In vitro functional studies provide some evidence that the variant may slightly impact protein function (PMID: 28633435, 32202298). However, these types of assays may not accurately represent biological function. Computational prediction tools, including splice predictors, and conservation analyses suggest that this variant may not impact the protein. In summary, the clinical significance of the variant is uncertain. ACMG/AMP Criteria applied: PP1_moderate, BP4, PS3_moderate, BS1 (Richards 2015).

OMIM
Classification: Pathogenic for PERIPHERAL NEUROPATHY, AUTOSOMAL RECESSIVE, WITH OR WITHOUT IMPAIRED INTELLECTUAL DEVELOPMENT. Last evaluated: 2018-09-21. Review status: no assertion criteria provided. Collection method: literature only. Allele origin: germline. Not counted in ClinVar's aggregate classification.

Literature cited by the submitters: PubMed 28633435 (cited by 4 submitters); PubMed 32202298 (cited by 3 submitters).

NM_003906.5(MCM3AP):c.3814G>A (p.Val1272Met)

Gene: MCM3AP (minichromosome maintenance complex component 3 associated protein; minus strand). Cytogenetic location: 21q22.3.
Variant type: single nucleotide variant.
Coding change: c.3814G>A on transcript NM_003906.5 (MANE Select); coding-DNA position 3814, G replaced by A.
Protein change: p.Val1272Met; replaces valine 1272 with methionine.
Molecular consequence: missense variant.
Genome position (GRCh38, 1-based): chr21:46,256,907, C>T on the plus strand (G>A on the coding strand, the complement: MCM3AP is on the minus strand). VCF-style: chr21-46256907-C-T. GRCh37 (hg19) VCF-style: chr21-47676821-C-T.
Other names: V272M; short protein forms V1272M.
Identifiers: ClinVar variation 562048 (VCV000562048.14), dbSNP rs779248881, ClinGen allele CA10076360.